The following is an entry in ClinVar:

ClinVar aggregate classification (germline): Uncertain significance. Review status: criteria provided, multiple submitters, no conflicts (2 of 4 stars). 2 submissions from 2 submitters: Uncertain significance (2). Last evaluated 2024-01-15.

Conditions:
Pontocerebellar hypoplasia type 1B. Also called: EXOSC3 Pontocerebellar Hypoplasia. Identifiers: Orphanet 2254, MedGen C3553449, MONDO:0013853, OMIM 614678.

Allele frequency attached by ClinVar (database versions not stated): gnomAD exomes below 0.00001; ExAC 0.00001; TOPMed 0.00002; ESP Exome Variant Server 0.00015.
gnomAD v4.1: 36 of 1,613,428 alleles (0.0022%); highest among the groups gnomAD compares: Middle Eastern, 0.016%; no homozygotes.

Submissions (2):

Labcorp Genetics (formerly Invitae), Labcorp
Classification: Uncertain significance for Pontocerebellar hypoplasia type 1B. Last evaluated: 2024-01-15. Review status: criteria provided, single submitter. Criteria: Invitae Variant Classification Sherloc (09022015). Collection method: clinical testing. Allele origin: germline.
Comment: This sequence change replaces valine, which is neutral and non-polar, with methionine, which is neutral and non-polar, at codon 121 of the EXOSC3 protein (p.Val121Met). This variant is present in population databases (rs145622193, gnomAD 0.007%). This variant has not been reported in the literature in individuals affected with EXOSC3-related conditions. ClinVar contains an entry for this variant (Variation ID: 841376). Advanced modeling of protein sequence and biophysical properties (such as structural, functional, and spatial information, amino acid conservation, physicochemical variation, residue mobility, and thermodynamic stability) has been performed at Invitae for this missense variant, however the output from this modeling did not meet the statistical confidence thresholds required to predict the impact of this variant on EXOSC3 protein function. In summary, the available evidence is currently insufficient to determine the role of this variant in disease. Therefore, it has been classified as a Variant of Uncertain Significance.

Illumina Laboratory Services, Illumina
Classification: Uncertain significance for Pontocerebellar hypoplasia type 1B. Last evaluated: 2018-02-02. Review status: criteria provided, single submitter. Criteria: ICSL Variant Classification Criteria 13 December 2019. Collection method: clinical testing. Allele origin: germline.

NM_016042.4(EXOSC3):c.361G>A (p.Val121Met)

Gene: EXOSC3 (exosome component 3; minus strand). Cytogenetic location: 9p13.2.
Variant type: single nucleotide variant.
Coding change: c.361G>A on transcript NM_016042.4 (MANE Select); coding-DNA position 361, G replaced by A.
Protein change: p.Val121Met; replaces valine 121 with methionine.
Molecular consequence: missense variant.
Genome position (GRCh38, 1-based): chr9:37,784,027, C>T on the plus strand (G>A on the coding strand, the complement: EXOSC3 is on the minus strand). VCF-style: chr9-37784027-C-T. GRCh37 (hg19) VCF-style: chr9-37784024-C-T.
Other names: c.361G>A, p.Val121Met (NM_001002269.2); short protein forms V121M.
Identifiers: ClinVar variation 841376 (VCV000841376.13), dbSNP rs145622193, ClinGen allele CA5062774.